The following is an entry in ClinVar:

ClinVar aggregate classification (germline): Uncertain significance (1 of 4 stars; one submission).

gnomAD v4.1: 3 of 1,572,762 alleles (0.00019%); highest among the groups gnomAD compares: Admixed American, 0.0036%; no homozygotes.

Submission:

Labcorp Genetics (formerly Invitae), Labcorp
Classification: Uncertain significance. Last evaluated: 2024-02-14. Review status: criteria provided, single submitter. Criteria: Invitae Variant Classification Sherloc (09022015). Collection method: clinical testing. Allele origin: germline.
Comment: This sequence change falls in intron 49 of the WDFY3 gene. It does not directly change the encoded amino acid sequence of the WDFY3 protein. It affects a nucleotide within the consensus splice site. The frequency data for this variant in the population databases is considered unreliable, as metrics indicate poor data quality at this position in the gnomAD database. This variant has not been reported in the literature in individuals affected with WDFY3-related conditions. Variants that disrupt the consensus splice site are a relatively common cause of aberrant splicing (PMID: 17576681, 9536098). Algorithms developed to predict the effect of sequence changes on RNA splicing suggest that this variant may disrupt the consensus splice site. In summary, the available evidence is currently insufficient to determine the role of this variant in disease. Therefore, it has been classified as a Variant of Uncertain Significance.

Literature cited by the submitters: PubMed 17576681; PubMed 9536098.

NM_014991.6(WDFY3):c.7875+4A>T

Gene: WDFY3 (WD repeat and FYVE domain containing 3; minus strand). Cytogenetic location: 4q21.23.
Variant type: single nucleotide variant.
Coding change: c.7875+4A>T on transcript NM_014991.6 (MANE Select); 4 bases into the intron after coding-DNA position 7875, A replaced by T.
Molecular consequence: intron variant.
Genome position (GRCh38, 1-based): chr4:84,716,892, T>A on the plus strand (A>T on the coding strand, the complement: WDFY3 is on the minus strand). VCF-style: chr4-84716892-T-A. GRCh37 (hg19) VCF-style: chr4-85638045-T-A.
Identifiers: ClinVar variation 3709874 (VCV003709874.2).